The following is an entry in ClinVar:

NM_000264.5(PTCH1):c.2001_2018del (p.Glu667_His673delinsAsp)

Genes: PTCH1 (patched 1; minus strand), LOC100507346 (uncharacterized LOC100507346; plus strand). Cytogenetic location: 9q22.32.
Variant type: Deletion.
Coding change: c.2001_2018del on transcript NM_000264.5 (MANE Select); coding-DNA positions 2001 to 2018, 18 bases deleted (GTACGACCCCCACACGCA).
Protein change: p.Glu667_His673delinsAsp.
Molecular consequence: inframe indel. On other transcripts: non-coding transcript variant (2).
Genome position (GRCh38, 1-based): chr9:95,468,983-95,469,000, TGCGTGTGGGGGTCGTAC deleted on the plus strand (GTACGACCCCCACACGCA on the coding strand, the reverse complement: PTCH1 is on the minus strand); deleting any 18 consecutive bases within chr9:95,468,983-95,469,001 gives the same sequence; the c. name uses the placement nearest the transcript's 3' end. VCF-style (leftmost placement, unchanged base first): chr9-95468982-GTGCGTGTGGGGGTCGTAC-G. GRCh37 (hg19) VCF-style: chr9-98231264-GTGCGTGTGGGGGTCGTAC-G.
Other names: c.1803_1820del, p.Glu601_His607delinsAsp (NM_001083602.3); c.1998_2015del, p.Glu666_His672delinsAsp (NM_001083603.3); c.1548_1565del, p.Glu516_His522delinsAsp (NM_001083604.3, NM_001083605.3, NM_001083606.3 and 1 more transcripts); c.1845_1862del, p.Glu615_His621delinsAsp (NM_001354918.2); c.2001_2018del18 (NM_000264.3).
Identifiers: ClinVar variation 3784595 (VCV003784595.1).

ClinVar aggregate classification (germline): Uncertain significance (1 of 4 stars; one submission).

Conditions:
Hereditary cancer-predisposing syndrome. Also called: Neoplastic Syndromes, Hereditary; Hereditary Cancer Syndrome; Tumor predisposition; Hereditary neoplastic syndrome. Identifiers: Orphanet 140162, MedGen C0027672, MeSH D009386, MONDO:0015356.

Submission:

Ambry Genetics
Classification: Uncertain significance for Hereditary cancer-predisposing syndrome. Last evaluated: 2024-12-11. Review status: criteria provided, single submitter. Criteria: Ambry Variant Classification Scheme 2023. Collection method: clinical testing. Allele origin: germline.
Comment: The c.2001_2018del18 variant (also known as p.E667_H673delinsD) is located in coding exon 14 of the PTCH1 gene. This variant results from an in-frame GTACGACCCCCACACGCA deletion at nucleotide positions 2001 to 2018. The seven residues at codons 667-673 are replaced by aspartic acid. This amino acid region is well conserved in available vertebrate species. In addition, this alteration is predicted to be deleterious by in silico analysis (Choi Y et al. PLoS ONE. 2012; 7(10):e46688). Based on the available evidence, the clinical significance of this variant remains unclear.